The following is an entry in ClinVar:

ClinVar aggregate classification (germline): Uncertain significance (1 of 4 stars; one submission).

Conditions:
Developmental and epileptic encephalopathy, 53. Also called: Epileptic encephalopathy, early infantile, 53. Identifiers: MedGen C4479313, MONDO:0033362, OMIM 617389.
Early-onset Parkinson disease 20. Also called: PARKINSON DISEASE 20, AUTOSOMAL RECESSIVE EARLY-ONSET. Identifiers: Orphanet 391411, MedGen C3809824, MONDO:0014233, OMIM 615530.

Allele frequency attached by ClinVar (database versions not stated): ExAC 0.00002; gnomAD exomes 0.00002.
gnomAD v4.1: 2 of 1,614,216 alleles (0.00012%); highest among the groups gnomAD compares: East Asian, 0.0045%; no homozygotes.

Submission:

Labcorp Genetics (formerly Invitae), Labcorp
Classification: Uncertain significance for Developmental and epileptic encephalopathy, 53; Early-onset Parkinson disease 20. Last evaluated: 2022-05-17. Review status: criteria provided, single submitter. Criteria: Invitae Variant Classification Sherloc (09022015). Collection method: clinical testing. Allele origin: germline.
Comment: In summary, the available evidence is currently insufficient to determine the role of this variant in disease. Therefore, it has been classified as a Variant of Uncertain Significance. Algorithms developed to predict the effect of sequence changes on RNA splicing suggest that this variant may create or strengthen a splice site. Algorithms developed to predict the effect of missense changes on protein structure and function output the following: SIFT: "Tolerated"; PolyPhen-2: "Benign"; Align-GVGD: "Class C0". The valine amino acid residue is found in multiple mammalian species, which suggests that this missense change does not adversely affect protein function. This variant has not been reported in the literature in individuals affected with SYNJ1-related conditions. This variant is present in population databases (rs780191673, gnomAD 0.02%). This sequence change replaces isoleucine, which is neutral and non-polar, with valine, which is neutral and non-polar, at codon 176 of the SYNJ1 protein (p.Ile176Val).

NM_203446.3(SYNJ1):c.409A>G (p.Ile137Val)

Gene: SYNJ1 (synaptojanin 1; minus strand). Cytogenetic location: 21q22.11.
Variant type: single nucleotide variant.
Coding change: c.409A>G on transcript NM_203446.3 (MANE Select); coding-DNA position 409, A replaced by G.
Protein change: p.Ile137Val; replaces isoleucine 137 with valine.
Molecular consequence: missense variant.
Genome position (GRCh38, 1-based): chr21:32,699,908, T>C on the plus strand (A>G on the coding strand, the complement: SYNJ1 is on the minus strand). VCF-style: chr21-32699908-T-C. GRCh37 (hg19) VCF-style: chr21-34072218-T-C.
Other names: c.409A>G, p.Ile137Val (NM_001160302.2, NM_001160306.2); c.526A>G, p.Ile176Val (NM_003895.4); short protein forms I176V, I137V.
Identifiers: ClinVar variation 1506794 (VCV001506794.8), dbSNP rs780191673, ClinGen allele CA10004144.